The following is an entry in ClinVar:

NM_000059.4(BRCA2):c.7165A>T (p.Arg2389Ter)

Gene: BRCA2 (BRCA2 DNA repair associated; plus strand). Cytogenetic location: 13q13.1.
Variant type: single nucleotide variant.
Coding change: c.7165A>T on transcript NM_000059.4 (MANE Select); coding-DNA position 7165, A replaced by T.
Protein change: p.Arg2389Ter; replaces arginine 2389 with a stop codon.
Molecular consequence: nonsense. On other transcripts: non-coding transcript variant (1).
Genome position (GRCh38, 1-based): chr13:32,355,018, A>T. VCF-style: chr13-32355018-A-T. GRCh37 (hg19) VCF-style: chr13-32929155-A-T.
Other names: c.7069A>T, p.Arg2357Ter (NM_001406719.1); c.7165A>T, p.Arg2389Ter (NM_001406720.1); c.2233A>T, p.Arg745Ter (NM_001406721.1); c.748A>T, p.Arg250Ter (NM_001406722.1); short protein forms R2357*, R2389*, R250*, R745*.
Identifiers: ClinVar variation 3236915 (VCV003236915.1), dbSNP rs2137556511.

ClinVar aggregate classification (germline): Pathogenic (1 of 4 stars; one submission).

Conditions:
Breast-ovarian cancer, familial, susceptibility to, 2 (BROVCA2). Also called: BRCA2 Hereditary Breast and Ovarian Cancer. Identifiers: Orphanet 145, MedGen C2675520, MONDO:0012933, OMIM 612555. Disease mechanism: loss of function.

Submission:

Department of Clinical Genetics, Copenhagen University Hospital, Rigshospitalet
Classification: Pathogenic for Breast-ovarian cancer, familial, susceptibility to, 2. Last evaluated: 2024-05-27. Review status: criteria provided, single submitter. Criteria: ACMG Guidelines, 2015. Collection method: clinical testing. Allele origin: germline. Affected: yes.
Comment: PVS1; PM2_supporting; PM5_PTC_Strong